The following is an entry in ClinVar:

ClinVar aggregate classification (germline): Uncertain significance (1 of 4 stars; one submission).

Conditions:
Cornelia de Lange syndrome 1 (CDLS1). Also called: TYPUS DEGENERATIVUS AMSTELODAMENSIS; Brachmann de Lange syndrome; NIPBL-Related Cornelia de Lange Syndrome. Identifiers: Orphanet 199, MedGen C4551851, MONDO:0007387, OMIM 122470.

Submission:

Dasa
Classification: Uncertain significance for Cornelia de Lange syndrome 1. Last evaluated: 2025-11-13. Review status: criteria provided, single submitter. Criteria: DASA Assertion Criteria. Collection method: clinical testing. Allele origin: germline.
Comment: NM_133433.4(NIPBL):c.7115A>G (p.Asn2372Ser) is a missense variant that results in the substitution of asparagine with serine. This variant is absent from population databases. Computational prediction algorithms are consistent with a benign effect. The currently available literature and clinical evidence are not sufficient to establish a definitive association between this variant and the reported condition. Therefore, this variant is classified as a variant of uncertain significance.

NM_133433.4(NIPBL):c.7115A>G (p.Asn2372Ser)

Gene: NIPBL (NIPBL cohesin loading factor; plus strand). Cytogenetic location: 5p13.2.
Variant type: single nucleotide variant.
Coding change: c.7115A>G on transcript NM_133433.4 (MANE Select); coding-DNA position 7115, A replaced by G.
Protein change: p.Asn2372Ser; replaces asparagine 2372 with serine.
Molecular consequence: missense variant.
Genome position (GRCh38, 1-based): chr5:37,052,418, A>G. VCF-style: chr5-37052418-A-G. GRCh37 (hg19) VCF-style: chr5-37052520-A-G.
Other names: c.7115A>G, p.Asn2372Ser (NM_001438586.1, NM_015384.5); short protein forms N2372S.
Identifiers: ClinVar variation 4881006 (VCV004881006.2).